The following is an entry in ClinVar:

NM_001414.4(EIF2B1):c.543T>C (p.Ala181=)

Gene: EIF2B1 (eukaryotic translation initiation factor 2B subunit alpha; minus strand). Cytogenetic location: 12q24.31.
Variant type: single nucleotide variant.
Coding change: c.543T>C on transcript NM_001414.4 (MANE Select); coding-DNA position 543, T replaced by C.
Protein change: p.Ala181=; no amino-acid change (alanine 181 retained).
Molecular consequence: synonymous variant.
Genome position (GRCh38, 1-based): chr12:123,626,433, A>G on the plus strand (T>C on the coding strand, the complement: EIF2B1 is on the minus strand). VCF-style: chr12-123626433-A-G. GRCh37 (hg19) VCF-style: chr12-124110980-A-G.
Identifiers: ClinVar variation 882754 (VCV000882754.29), dbSNP rs758794919, ClinGen allele CA6860065.

ClinVar aggregate classification (germline): Conflicting classifications of pathogenicity. Review status: criteria provided, conflicting classifications (1 of 4 stars). 3 submissions from 3 submitters: Uncertain significance (1); Likely benign (2). Last evaluated 2025-06-23.

Conditions:
Vanishing white matter disease. Also called: CACH syndrome; Childhood ataxia with diffuse central nervous system hypomyelination; Leukoencephalopathy with vanishing white matter; CACH/VWM syndrome; Cree leukoencehalopathy. Identifiers: Orphanet 135, Orphanet 99853, MedGen C1858991, MONDO:0800448.

Allele frequency attached by ClinVar (database versions not stated): TOPMed 0.00002; gnomAD 0.00003 and 0.00005; ExAC 0.00016; gnomAD exomes 0.00017.
gnomAD v4.1: 161 of 1,614,168 alleles (0.01%); highest among the groups gnomAD compares: Middle Eastern, 0.18%; no homozygotes.

Submissions (3):

Labcorp Genetics (formerly Invitae), Labcorp
Classification: Likely benign. Last evaluated: 2025-06-23. Review status: criteria provided, single submitter. Criteria: Invitae Variant Classification Sherloc (09022015). Collection method: clinical testing. Allele origin: germline.

CeGaT Center for Human Genetics Tuebingen
Classification: Likely benign. Last evaluated: 2024-06-01. Review status: criteria provided, single submitter. Criteria: CeGaT Center For Human Genetics Tuebingen Variant Classification Criteria Version 2. Collection method: clinical testing. Allele origin: germline. Affected: yes. Observed: 1 variant allele.
Comment: EIF2B1: BP4, BP7

Illumina Laboratory Services, Illumina
Classification: Uncertain significance for Leukoencephalopathy with vanishing white matter 1. Last evaluated: 2018-03-30. Review status: criteria provided, single submitter. Criteria: ICSL Variant Classification Criteria 13 December 2019. Collection method: clinical testing. Allele origin: germline.